The following is an entry in ClinVar:

NM_001365088.1(SLC12A6):c.543+2T>C

Gene: SLC12A6 (solute carrier family 12 member 6; minus strand). Cytogenetic location: 15q14.
Variant type: single nucleotide variant.
Coding change: c.543+2T>C on transcript NM_001365088.1 (MANE Select); the canonical splice donor site of the intron after coding-DNA position 543, T replaced by C.
Molecular consequence: splice donor variant.
Genome position (GRCh38, 1-based): chr15:34,258,811, A>G on the plus strand (T>C on the coding strand, the complement: SLC12A6 is on the minus strand). VCF-style: chr15-34258811-A-G. GRCh37 (hg19) VCF-style: chr15-34551012-A-G.
Other names: c.366+2T>C (NM_001042495.2, NM_001042494.2); c.516+2T>C (NM_001042496.2); c.498+2T>C (NM_001042497.2); c.543+2T>C (NM_133647.2); c.390+2T>C (NM_005135.2).
Identifiers: ClinVar variation 2857531 (VCV002857531.3), dbSNP rs1555381538, ClinGen allele CA391613291.

ClinVar aggregate classification (germline): Likely pathogenic (1 of 4 stars; one submission).

Submission:

Labcorp Genetics (formerly Invitae), Labcorp
Classification: Likely pathogenic. Last evaluated: 2023-04-19. Review status: criteria provided, single submitter. Criteria: Invitae Variant Classification Sherloc (09022015). Collection method: clinical testing. Allele origin: germline.
Comment: Algorithms developed to predict the effect of sequence changes on RNA splicing suggest that this variant may disrupt the consensus splice site. In summary, the currently available evidence indicates that the variant is pathogenic, but additional data are needed to prove that conclusively. Therefore, this variant has been classified as Likely Pathogenic. This variant has not been reported in the literature in individuals affected with SLC12A6-related conditions. This variant is not present in population databases (gnomAD no frequency). This sequence change affects a donor splice site in intron 4 of the SLC12A6 gene. It is expected to disrupt RNA splicing. Variants that disrupt the donor or acceptor splice site typically lead to a loss of protein function (PMID: 16199547), and loss-of-function variants in SLC12A6 are known to be pathogenic (PMID: 12368912, 16606917).

Literature cited by the submitters: PubMed 16199547; PubMed 12368912; PubMed 16606917.